The following is an entry in ClinVar:

NM_003579.4(RAD54L):c.932C>A (p.Ala311Asp)

Gene: RAD54L (RAD54 like; plus strand). Cytogenetic location: 1p34.1.
Variant type: single nucleotide variant.
Coding change: c.932C>A on transcript NM_003579.4 (MANE Select); coding-DNA position 932, C replaced by A.
Protein change: p.Ala311Asp; replaces alanine 311 with aspartic acid.
Molecular consequence: missense variant.
Genome position (GRCh38, 1-based): chr1:46,267,499, C>A. VCF-style: chr1-46267499-C-A. GRCh37 (hg19) VCF-style: chr1-46733171-C-A.
Other names: c.932C>A, p.Ala311Asp (NM_001142548.2); c.392C>A, p.Ala131Asp (NM_001370766.1); short protein forms A131D, A311D.
Identifiers: ClinVar variation 1766582 (VCV001766582.2), dbSNP rs1187117041, ClinGen allele CA340192178.
Genomic context (GRCh38, chr1:46,267,499, plus strand): 5'-GAATAAGGATTCTCTTGCAGGGACACAGGCTCAAGAACTCTGAGAATCAGACTTACCAAG[C>A]CCTGGACAGCTTGAACACCAGCCGGCGGGTGCTCATCTCCGGAACTCCCATCCAGAATGA-3'
Protein context (NP_003570.2, residues 301-321): LKNSENQTYQ[Ala311Asp]LDSLNTSRRV

ClinVar aggregate classification (germline): Uncertain significance (1 of 4 stars; one submission).

Allele frequency attached by ClinVar (database versions not stated): TOPMed below 0.00001; gnomAD 0.00001.
gnomAD v4.1: 3 of 1,613,988 alleles (0.00019%); no homozygotes.

Submission:

Ambry Genetics
Classification: Uncertain significance. Last evaluated: 2021-09-02. Review status: criteria provided, single submitter. Criteria: Ambry Variant Classification Scheme 2023. Collection method: clinical testing. Allele origin: germline.
Comment: The p.A311D variant (also known as c.932C>A), located in coding exon 9 of the RAD54L gene, results from a C to A substitution at nucleotide position 932. The alanine at codon 311 is replaced by aspartic acid, an amino acid with dissimilar properties. This amino acid position is conserved. In addition, this alteration is predicted to be deleterious by in silico analysis. Since supporting evidence is limited at this time, the clinical significance of this alteration remains unclear.